The following is an entry in ClinVar:

ClinVar aggregate classification (germline): Uncertain significance. Review status: criteria provided, multiple submitters, no conflicts (2 of 4 stars). 3 submissions from 3 submitters: Uncertain significance (3). Last evaluated 2025-10-15.

Conditions:
Cone-rod dystrophy 5 (CORD5). Identifiers: Orphanet 1872, MedGen C1832976, MONDO:0010969, OMIM 600977.

Allele frequency attached by ClinVar (database versions not stated): TOPMed 0.00001.

Submissions (3):

Ambry Genetics
Classification: Uncertain significance. Last evaluated: 2025-10-15. Review status: criteria provided, single submitter. Criteria: Ambry Variant Classification Scheme 2023. Collection method: clinical testing. Allele origin: germline.

Labcorp Genetics (formerly Invitae), Labcorp
Classification: Uncertain significance. Last evaluated: 2025-10-13. Review status: criteria provided, single submitter. Criteria: Invitae Variant Classification Sherloc (09022015). Collection method: clinical testing. Allele origin: germline.
Comment: This sequence change replaces alanine, which is neutral and non-polar, with serine, which is neutral and polar, at codon 305 of the PITPNM3 protein (p.Ala305Ser). This variant is present in population databases (no rsID available, gnomAD 0.0009%). This variant has not been reported in the literature in individuals affected with PITPNM3-related conditions. ClinVar contains an entry for this variant (Variation ID: 324758). An algorithm developed to predict the effect of missense changes on protein structure and function (PolyPhen-2) suggests that this variant is likely to be tolerated. In summary, the available evidence is currently insufficient to determine the role of this variant in disease. Therefore, it has been classified as a Variant of Uncertain Significance.

Illumina Laboratory Services, Illumina
Classification: Uncertain significance for Cone-rod dystrophy 5. Last evaluated: 2018-01-13. Review status: criteria provided, single submitter. Criteria: ICSL Variant Classification Criteria 13 December 2019. Collection method: clinical testing. Allele origin: germline.

NM_031220.4(PITPNM3):c.913G>T (p.Ala305Ser)

Gene: PITPNM3 (PITPNM family member 3; minus strand). Cytogenetic location: 17p13.2.
Variant type: single nucleotide variant.
Coding change: c.913G>T on transcript NM_031220.4 (MANE Select); coding-DNA position 913, G replaced by T.
Protein change: p.Ala305Ser; replaces alanine 305 with serine.
Molecular consequence: missense variant.
Genome position (GRCh38, 1-based): chr17:6,477,201, C>A on the plus strand (G>T on the coding strand, the complement: PITPNM3 is on the minus strand). VCF-style: chr17-6477201-C-A. GRCh37 (hg19) VCF-style: chr17-6380521-C-A.
Other names: c.805G>T, p.Ala269Ser (NM_001165966.2); short protein forms A305S, A269S.
Identifiers: ClinVar variation 324758 (VCV000324758.10), dbSNP rs549384558, ClinGen allele CA10650730.